The following is an entry in ClinVar:

ClinVar aggregate classification (germline): Uncertain significance (1 of 4 stars; one submission).

Conditions:
Cardiovascular phenotype. Identifiers: MedGen CN230736.

gnomAD v4.1: 9 of 1,608,740 alleles (0.00056%); highest among the groups gnomAD compares: African/African-American, 0.008%; no homozygotes.

Submission:

Ambry Genetics
Classification: Uncertain significance for Cardiovascular phenotype. Last evaluated: 2024-03-19. Review status: criteria provided, single submitter. Criteria: Ambry Variant Classification Scheme 2023. Collection method: clinical testing. Allele origin: germline.
Comment: The p.I75V variant (also known as c.223A>G), located in coding exon 1 of the TECRL gene, results from an A to G substitution at nucleotide position 223. The isoleucine at codon 75 is replaced by valine, an amino acid with highly similar properties. This amino acid position is conserved. In addition, this alteration is predicted to be tolerated by in silico analysis. Based on the available evidence, the clinical significance of this alteration remains unclear.

NM_001010874.5(TECRL):c.223A>G (p.Ile75Val)

Gene: TECRL (trans-2,3-enoyl-CoA reductase like; minus strand). Cytogenetic location: 4q13.1.
Variant type: single nucleotide variant.
Coding change: c.223A>G on transcript NM_001010874.5 (MANE Select); coding-DNA position 223, A replaced by G.
Protein change: p.Ile75Val; replaces isoleucine 75 with valine.
Molecular consequence: missense variant.
Genome position (GRCh38, 1-based): chr4:64,409,129, T>C on the plus strand (A>G on the coding strand, the complement: TECRL is on the minus strand). VCF-style: chr4-64409129-T-C. GRCh37 (hg19) VCF-style: chr4-65274847-T-C.
Other names: c.223A>G, p.Ile75Val (NM_001363796.1); short protein forms I75V.
Identifiers: ClinVar variation 3325213 (VCV003325213.1).